The following is an entry in ClinVar:

NM_003571.4(BFSP2):c.1181G>A (p.Arg394His)

Genes: BFSP2-AS1 (BFSP2 antisense RNA 1; minus strand), BFSP2 (beaded filament structural protein 2; plus strand). Cytogenetic location: 3q22.1.
Variant type: single nucleotide variant.
Coding change: c.1181G>A on transcript NM_003571.4 (MANE Select); coding-DNA position 1181, G replaced by A.
Protein change: p.Arg394His; replaces arginine 394 with histidine.
Molecular consequence: missense variant.
Genome position (GRCh38, 1-based): chr3:133,472,502, G>A. VCF-style: chr3-133472502-G-A. GRCh37 (hg19) VCF-style: chr3-133191346-G-A.
Other names: short protein forms R394H.
Identifiers: ClinVar variation 4690676 (VCV004690676.1).

ClinVar aggregate classification (germline): Uncertain significance (1 of 4 stars; one submission).

Conditions:
Cataract 12 multiple types. Identifiers: Orphanet 91492, MedGen C3808115, MONDO:0012701, OMIM 611597.

Submission:

Labcorp Genetics (formerly Invitae), Labcorp
Classification: Uncertain significance for Cataract 12 multiple types. Last evaluated: 2025-03-26. Review status: criteria provided, single submitter. Criteria: Invitae Variant Classification Sherloc (09022015). Collection method: clinical testing. Allele origin: germline.
Comment: This sequence change replaces arginine, which is basic and polar, with histidine, which is basic and polar, at codon 394 of the BFSP2 protein (p.Arg394His). This variant is present in population databases (rs141155612, gnomAD 0.04%). This variant has not been reported in the literature in individuals affected with BFSP2-related conditions. Invitae Evidence Modeling of protein sequence and biophysical properties (such as structural, functional, and spatial information, amino acid conservation, physicochemical variation, residue mobility, and thermodynamic stability) indicates that this missense variant is not expected to disrupt BFSP2 protein function with a negative predictive value of 80%. In summary, the available evidence is currently insufficient to determine the role of this variant in disease. Therefore, it has been classified as a Variant of Uncertain Significance.